The following is an entry in ClinVar:

ClinVar aggregate classification (germline): Uncertain significance. Review status: criteria provided, multiple submitters, no conflicts (2 of 4 stars). 2 submissions from 2 submitters: Uncertain significance (2). Last evaluated 2025-01-28.

Conditions:
Inborn genetic diseases. Identifiers: MedGen C0950123, MeSH D030342.

Submissions (2):

Labcorp Genetics (formerly Invitae), Labcorp
Classification: Uncertain significance. Last evaluated: 2025-01-28. Review status: criteria provided, single submitter. Criteria: Invitae Variant Classification Sherloc (09022015). Collection method: clinical testing. Allele origin: germline.
Comment: This sequence change replaces lysine, which is basic and polar, with arginine, which is basic and polar, at codon 248 of the MBD4 protein (p.Lys248Arg). This variant is not present in population databases (gnomAD no frequency). This variant has not been reported in the literature in individuals affected with MBD4-related conditions. ClinVar contains an entry for this variant (Variation ID: 2789180). An algorithm developed to predict the effect of missense changes on protein structure and function outputs the following: PolyPhen-2: "Benign". The arginine amino acid residue is found in multiple mammalian species, which suggests that this missense change does not adversely affect protein function. In summary, the available evidence is currently insufficient to determine the role of this variant in disease. Therefore, it has been classified as a Variant of Uncertain Significance.

Ambry Genetics
Classification: Uncertain significance for Inborn genetic diseases. Last evaluated: 2024-11-25. Review status: criteria provided, single submitter. Criteria: Ambry Variant Classification Scheme 2023. Collection method: clinical testing. Allele origin: germline.
Comment: The p.K248R variant (also known as c.743A>G), located in coding exon 3 of the MBD4 gene, results from an A to G substitution at nucleotide position 743. The lysine at codon 248 is replaced by arginine, an amino acid with highly similar properties. This amino acid position is conserved. In addition, this alteration is predicted to be tolerated by in silico analysis. Based on the available evidence, the clinical significance of this variant remains unclear.

NM_001276270.2(MBD4):c.743A>G (p.Lys248Arg)

Gene: MBD4 (methyl-CpG binding domain 4, DNA glycosylase; minus strand). Cytogenetic location: 3q21.3.
Variant type: single nucleotide variant.
Coding change: c.743A>G on transcript NM_001276270.2 (MANE Select); coding-DNA position 743, A replaced by G.
Protein change: p.Lys248Arg; replaces lysine 248 with arginine.
Molecular consequence: missense variant. On other transcripts: intron variant (1).
Genome position (GRCh38, 1-based): chr3:129,436,901, T>C on the plus strand (A>G on the coding strand, the complement: MBD4 is on the minus strand). VCF-style: chr3-129436901-T-C. GRCh37 (hg19) VCF-style: chr3-129155744-T-C.
Other names: c.743A>G, p.Lys248Arg (NM_001276271.2, NM_001276272.2, NM_003925.3); c.247+907A>G (NM_001276273.2); short protein forms K248R.
Identifiers: ClinVar variation 2789180 (VCV002789180.4), dbSNP rs2530721171, ClinGen allele CA354467354.